The following is an entry in ClinVar:

NM_006946.4(SPTBN2):c.1907G>A (p.Arg636Gln)

Gene: SPTBN2 (spectrin beta, non-erythrocytic 2; minus strand). Cytogenetic location: 11q13.2.
Variant type: single nucleotide variant.
Coding change: c.1907G>A on transcript NM_006946.4 (MANE Select); coding-DNA position 1907, G replaced by A.
Protein change: p.Arg636Gln; replaces arginine 636 with glutamine.
Molecular consequence: missense variant.
Genome position (GRCh38, 1-based): chr11:66,705,369, C>T on the plus strand (G>A on the coding strand, the complement: SPTBN2 is on the minus strand). VCF-style: chr11-66705369-C-T. GRCh37 (hg19) VCF-style: chr11-66472840-C-T.
Other names: c.1907G>A (NM_006946.2); c.1928G>A, p.Arg643Gln (NM_001411025.1); short protein forms R643Q, R636Q.
Identifiers: ClinVar variation 2908099 (VCV002908099.6), dbSNP rs201992642, ClinGen allele CA6129218.

ClinVar aggregate classification (germline): Conflicting classifications of pathogenicity. Review status: criteria provided, conflicting classifications (1 of 4 stars). 4 submissions from 4 submitters: Uncertain significance (2); Benign (1); Likely benign (1). Last evaluated 2025-03-11.

Conditions:
Inborn genetic diseases. Identifiers: MedGen C0950123, MeSH D030342.

Allele frequency attached by ClinVar (database versions not stated): gnomAD exomes 0.00003; TOPMed 0.00003; ExAC 0.00004; gnomAD 0.00007; 1000 Genomes Project 30x 0.00047; 1000 Genomes Project 0.00060.
gnomAD v4.1: 51 of 1,612,348 alleles (0.0032%); highest among the groups gnomAD compares: African/African-American, 0.024%; no homozygotes.

Submissions (4):

Athena Diagnostics
Classification: Likely benign. Last evaluated: 2025-03-11. Review status: criteria provided, single submitter. Criteria: Athena Diagnostics Criteria. Collection method: clinical testing. Allele origin: unknown.
Comment: The frequency of this variant in the general population is higher than would generally be expected for pathogenic variants in this gene. Computational tools predict this amino acid change may be benign.

Ambry Genetics
Classification: Uncertain significance for Inborn genetic diseases. Last evaluated: 2024-12-14. Review status: criteria provided, single submitter. Criteria: Ambry Variant Classification Scheme 2023. Collection method: clinical testing. Allele origin: germline.

Labcorp Genetics (formerly Invitae), Labcorp
Classification: Benign. Last evaluated: 2023-12-14. Review status: criteria provided, single submitter. Criteria: Invitae Variant Classification Sherloc (09022015). Collection method: clinical testing. Allele origin: germline.

Blueprint Genetics
Classification: Uncertain significance. Last evaluated: 2023-11-06. Review status: criteria provided, single submitter. Criteria: ACMG Guidelines, 2015. Collection method: clinical testing. Allele origin: germline.